The following is an entry in ClinVar:

ClinVar aggregate classification (germline): Pathogenic/Likely pathogenic. Review status: criteria provided, multiple submitters, no conflicts (2 of 4 stars). 3 submissions from 3 submitters: Pathogenic (2); Likely pathogenic (1). Last evaluated 2025-09-28.

Conditions:
3-methylcrotonyl-CoA carboxylase 2 deficiency. Also called: METHYLCROTONYLGLYCINURIA, TYPE II; 3 alpha methylcrotonyl-CoA carboxylase 2 deficiency; 3 alpha methylcrotonylglycinuria 2; MCC 2 deficiency; Methylcrotonylglycinuria type 2. Identifiers: Orphanet 6, MedGen C1859499, MONDO:0008862, OMIM 210210.

Allele frequency attached by ClinVar (database versions not stated): gnomAD exomes 0.00001; gnomAD 0.00001.
gnomAD v4.1: 17 of 1,613,996 alleles (0.0011%); highest among the groups gnomAD compares: Non-Finnish European, 0.0011%; no homozygotes.

Submissions (3):

Labcorp Genetics (formerly Invitae), Labcorp
Classification: Pathogenic for 3-methylcrotonyl-CoA carboxylase 2 deficiency. Last evaluated: 2025-09-28. Review status: criteria provided, single submitter. Criteria: Invitae Variant Classification Sherloc (09022015). Collection method: clinical testing. Allele origin: germline.
Comment: This sequence change creates a premature translational stop signal (p.Ser77*) in the MCCC2 gene. It is expected to result in an absent or disrupted protein product. Loss-of-function variants in MCCC2 are known to be pathogenic (PMID: 11181649, 22642865). This variant is present in population databases (no rsID available, gnomAD 0.007%). This variant has not been reported in the literature in individuals affected with MCCC2-related conditions. ClinVar contains an entry for this variant (Variation ID: 1419078). For these reasons, this variant has been classified as Pathogenic.

Natera, Inc.
Classification: Likely pathogenic for 3-methylcrotonyl-CoA carboxylase 2 deficiency. Last evaluated: 2025-03-21. Review status: criteria provided, single submitter. Criteria: Natera Variant Classification Schema (03/2026). Collection method: clinical testing. Allele origin: germline.
Comment: The c.230C>G variant in MCCC2 is a nonsense variant predicted to introduce a stop codon at amino acid 77. This variant is expected to result in nonsense mediated decay, truncation, or a dysfunctional protein product. This variant is rare in the general population with a frequency below the threshold expected for the associated phenotype(s). Given the available evidence, this variant is classified as Likely Pathogenic.

Myriad Genetics, Inc.
Classification: Pathogenic for 3-methylcrotonyl-CoA carboxylase 2 deficiency. Last evaluated: 2024-12-21. Review status: criteria provided, single submitter. Criteria: Myriad Autosomal Dominant, Autosomal Recessive and X-Linked Classification Criteria (2023). Collection method: clinical testing. Allele origin: unknown.
Comment: NM_022132.4(MCCC2):c.230C>G(S77*) is expected to be pathogenic in the context of 3-methylcrotonyl-CoA carboxylase deficiency, MCCC2-related. This variant is predicted to lead to an abnormal or absent protein product due to the creation of a premature termination codon in MCCC2, a gene where loss-of-function variants are known to be pathogenic. Please note: this variant was assessed in the context of healthy population screening.

Literature cited by the submitters: PubMed 11181649 (cited by Labcorp Genetics (formerly Invitae), Labcorp); PubMed 22642865 (cited by Labcorp Genetics (formerly Invitae), Labcorp).

NM_022132.5(MCCC2):c.230C>G (p.Ser77Ter)

Gene: MCCC2 (methylcrotonyl-CoA carboxylase subunit 2; plus strand). Cytogenetic location: 5q13.2.
Variant type: single nucleotide variant.
Coding change: c.230C>G on transcript NM_022132.5 (MANE Select); coding-DNA position 230, C replaced by G.
Protein change: p.Ser77Ter; replaces serine 77 with a stop codon.
Molecular consequence: nonsense.
Genome position (GRCh38, 1-based): chr5:71,596,313, C>G. VCF-style: chr5-71596313-C-G. GRCh37 (hg19) VCF-style: chr5-70892140-C-G.
Other names: c.230C>G, p.Ser77Ter (NM_001363147.1); c.230C>G (NM_022132.4); short protein forms S77*.
Identifiers: ClinVar variation 1419078 (VCV001419078.10), dbSNP rs1304896406, ClinGen allele CA360005864.
Genomic context (GRCh38, chr5:71,596,313, plus strand): 5'-TCTAATCTAATCACATTTCTATCATAGGAGGTGGTGAGAAAGCCCGAGCACTTCACATAT[C>G]AAGAGGAAAACTATTGCCCAGAGAAAGAATTGACAATCTCATAGACCCAGGGTGCGTACA-3'